The following is an entry in ClinVar:

ClinVar aggregate classification (germline): Pathogenic. Review status: criteria provided, multiple submitters, no conflicts (2 of 4 stars). 2 submissions from 2 submitters: Pathogenic (2). Last evaluated 2026-04-20.

Conditions:
Neuronal ceroid lipofuscinosis 11. Also called: GRN-Related Neuronal Ceroid-Lipofuscinosis. Identifiers: Orphanet 314629, Orphanet 79262, MedGen C3539123, MONDO:0013866, OMIM 614706.
GRN-related frontotemporal lobar degeneration with Tdp43 inclusions (FTD2). Also called: DEMENTIA, HEREDITARY DYSPHASIC DISINHIBITION; FRONTOTEMPORAL LOBAR DEGENERATION WITH UBIQUITIN-POSITIVE INCLUSIONS; FTLD-TDP, GRN-RELATED; FRONTOTEMPORAL DEMENTIA WITH TDP43 INCLUSIONS, GRN-RELATED; GRN Frontotemporal Dementia. Identifiers: Orphanet 100070, Orphanet 282, MedGen C1843792, MONDO:0011842, OMIM 607485. Disease mechanism: loss of function.

Allele frequency attached by ClinVar (database versions not stated): ESP Exome Variant Server 0.00008; ExAC 0.00001.

Submissions (2):

GeneDx
Classification: Pathogenic. Last evaluated: 2026-04-20. Review status: criteria provided, single submitter. Criteria: GeneDx Variant Classification Process June 2021. Collection method: clinical testing. Allele origin: germline.
Comment: Frameshift variant predicted to result in protein truncation or nonsense mediated decay in a gene for which loss of function is a known mechanism of disease; Not observed at significant frequency in large population cohorts (gnomAD); This variant is associated with the following publications: (PMID: 35790423, 31914217, 31600775, 30599136)

Labcorp Genetics (formerly Invitae), Labcorp
Classification: Pathogenic for Neuronal ceroid lipofuscinosis 11; GRN-related frontotemporal lobar degeneration with Tdp43 inclusions. Last evaluated: 2023-08-04. Review status: criteria provided, single submitter. Criteria: Invitae Variant Classification Sherloc (09022015). Collection method: clinical testing. Allele origin: germline.
Comment: For these reasons, this variant has been classified as Pathogenic. ClinVar contains an entry for this variant (Variation ID: 2175081). This premature translational stop signal has been observed in individual(s) with frontotemporal dementia (PMID: 31914217). This variant is present in population databases (rs750312986, gnomAD 0.0009%). This sequence change creates a premature translational stop signal (p.Trp304Cysfs*58) in the GRN gene. It is expected to result in an absent or disrupted protein product. Loss-of-function variants in GRN are known to be pathogenic (PMID: 16862116, 16950801, 22608501).

Literature cited by the submitters: PubMed 31914217 (cited by Labcorp Genetics (formerly Invitae), Labcorp); PubMed 16862116 (cited by Labcorp Genetics (formerly Invitae), Labcorp); PubMed 16950801 (cited by Labcorp Genetics (formerly Invitae), Labcorp); PubMed 22608501 (cited by Labcorp Genetics (formerly Invitae), Labcorp).

NM_002087.4(GRN):c.910_911dup (p.Trp304fs)

Gene: GRN (granulin precursor; plus strand). Cytogenetic location: 17q21.31.
Variant type: Duplication.
Coding change: c.910_911dup on transcript NM_002087.4 (MANE Select); coding-DNA positions 910 to 911, 2 bases duplicated (TG; older notation c.910_911dupTG).
Protein change: p.Trp304fs; shifts the reading frame from tryptophan 304.
Molecular consequence: frameshift variant.
Genome position (GRCh38, 1-based): chr17:44,351,437-44,351,438, TG duplicated. VCF-style (leftmost placement, unchanged base first): chr17-44351436-C-CTG. GRCh37 (hg19) VCF-style: chr17-42428804-C-CTG.
Other names: short protein forms W304fs.
Identifiers: ClinVar variation 2175081 (VCV002175081.5), dbSNP rs750312986, ClinGen allele CA8602059.